The following is an entry in ClinVar:

ClinVar aggregate classification (germline): Conflicting classifications of pathogenicity. Review status: criteria provided, conflicting classifications (1 of 4 stars). 3 submissions from 3 submitters: Uncertain significance (2); Likely benign (1). Last evaluated 2025-03-18.

Conditions:
Inborn genetic diseases. Identifiers: MedGen C0950123, MeSH D030342.
Left ventricular noncompaction 8 (LVNC8). Identifiers: Orphanet 154, Orphanet 54260, MedGen C3809288, MONDO:0014152, OMIM 615373.

gnomAD v4.1: 9 of 1,541,344 alleles (0.00058%); highest among the groups gnomAD compares: Non-Finnish European, 0.00079%; no homozygotes.

Submissions (3):

Ambry Genetics
Classification: Uncertain significance for Inborn genetic diseases. Last evaluated: 2025-03-18. Review status: criteria provided, single submitter. Criteria: Ambry Variant Classification Scheme 2023. Collection method: clinical testing. Allele origin: germline.

Labcorp Genetics (formerly Invitae), Labcorp
Classification: Uncertain significance for Left ventricular noncompaction 8. Last evaluated: 2024-03-16. Review status: criteria provided, single submitter. Criteria: Invitae Variant Classification Sherloc (09022015). Collection method: clinical testing. Allele origin: germline.
Comment: This sequence change replaces glycine, which is neutral and non-polar, with arginine, which is basic and polar, at codon 819 of the PRDM16 protein (p.Gly819Arg). This variant is present in population databases (no rsID available, gnomAD 0.01%). This variant has not been reported in the literature in individuals affected with PRDM16-related conditions. ClinVar contains an entry for this variant (Variation ID: 2142756). An algorithm developed to predict the effect of missense changes on protein structure and function (PolyPhen-2) suggests that this variant is likely to be tolerated. In summary, the available evidence is currently insufficient to determine the role of this variant in disease. Therefore, it has been classified as a Variant of Uncertain Significance.

Blueprint Genetics
Classification: Likely benign. Last evaluated: 2023-10-02. Review status: criteria provided, single submitter. Criteria: ACMG Guidelines, 2015. Collection method: clinical testing. Allele origin: germline.

NM_022114.4(PRDM16):c.2455G>C (p.Gly819Arg)

Gene: PRDM16 (PR/SET domain 16; plus strand). Cytogenetic location: 1p36.32.
Variant type: single nucleotide variant.
Coding change: c.2455G>C on transcript NM_022114.4 (MANE Select); coding-DNA position 2455, G replaced by C.
Protein change: p.Gly819Arg; replaces glycine 819 with arginine.
Molecular consequence: missense variant.
Genome position (GRCh38, 1-based): chr1:3,412,652, G>C. VCF-style: chr1-3412652-G-C. GRCh37 (hg19) VCF-style: chr1-3329216-G-C.
Other names: c.2455G>C (NM_022114.3); c.2455G>C, p.Gly819Arg (NM_199454.3); short protein forms G819R.
Identifiers: ClinVar variation 2142756 (VCV002142756.6), dbSNP rs755243204, ClinGen allele CA16968007.